The following is an entry in ClinVar:

ClinVar aggregate classification (germline): Benign (1 of 4 stars; one submission).

Allele frequency attached by ClinVar (database versions not stated): gnomAD 0.04021 and 0.04087; TOPMed 0.04072; 1000 Genomes Project 0.04673; 1000 Genomes Project 30x 0.04794.
gnomAD v4.1: 22,239 of 749,614 alleles (3%); highest among the groups gnomAD compares: African/African-American, 7.8%; 468 homozygotes.

Submission:

GeneDx
Classification: Benign. Last evaluated: 2018-06-20. Review status: criteria provided, single submitter. Criteria: GeneDx Variant Classification (06012015). Collection method: clinical testing. Allele origin: germline. Affected: yes.
Comment: This variant is considered likely benign or benign based on one or more of the following criteria: it is a conservative change, it occurs at a poorly conserved position in the protein, it is predicted to be benign by multiple in silico algorithms, and/or has population frequency not consistent with disease.

NM_022041.4(GAN):c.851+125T>C

Gene: GAN (gigaxonin; plus strand). Cytogenetic location: 16q23.2.
Variant type: single nucleotide variant.
Coding change: c.851+125T>C on transcript NM_022041.4 (MANE Select); 125 bases into the intron after coding-DNA position 851, T replaced by C.
Molecular consequence: intron variant.
Genome position (GRCh38, 1-based): chr16:81,357,127, T>C. VCF-style: chr16-81357127-T-C. GRCh37 (hg19) VCF-style: chr16-81390732-T-C.
Other names: c.212+125T>C (NM_001377486.1).
Identifiers: ClinVar variation 674152 (VCV000674152.1), dbSNP rs113656513, ClinGen allele CA284305234.